The following is an entry in ClinVar:

NM_001170629.2(CHD8):c.232C>T (p.Leu78Phe)

Gene: CHD8 (chromodomain helicase DNA binding protein 8; minus strand). Cytogenetic location: 14q11.2.
Variant type: single nucleotide variant.
Coding change: c.232C>T on transcript NM_001170629.2 (MANE Select); coding-DNA position 232, C replaced by T.
Protein change: p.Leu78Phe; replaces leucine 78 with phenylalanine.
Molecular consequence: missense variant. On other transcripts: intron variant (1).
Genome position (GRCh38, 1-based): chr14:21,431,412, G>A on the plus strand (C>T on the coding strand, the complement: CHD8 is on the minus strand). VCF-style: chr14-21431412-G-A. GRCh37 (hg19) VCF-style: chr14-21899571-G-A.
Other names: c.6+399C>T (NM_020920.4); short protein forms L78F.
Identifiers: ClinVar variation 3657834 (VCV003657834.2).
Genomic context (GRCh38, chr14:21,431,412, plus strand): 5'-GAGTGGTATAATCATGCAAGGTTATGGATTCTGGAGCTGGAGCTGTGGATTCTTTGGAAA[G>A]TTCTGTGGGAGCTGTTTCCTCTGGTGGAGGGACCAGTTCACTTGCTGATGAATTCCCCAC-3'
Protein context (NP_001164100.1, residues 68-88): PPPEETAPTE[Leu78Phe]SKESTAPAPE

ClinVar aggregate classification (germline): Uncertain significance (1 of 4 stars; one submission).

Submission:

Labcorp Genetics (formerly Invitae), Labcorp
Classification: Uncertain significance. Last evaluated: 2025-01-05. Review status: criteria provided, single submitter. Criteria: Invitae Variant Classification Sherloc (09022015). Collection method: clinical testing. Allele origin: germline.
Comment: This sequence change replaces leucine, which is neutral and non-polar, with phenylalanine, which is neutral and non-polar, at codon 78 of the CHD8 protein (p.Leu78Phe). This variant is not present in population databases (gnomAD no frequency). This variant has not been reported in the literature in individuals affected with CHD8-related conditions. Invitae Evidence Modeling of protein sequence and biophysical properties (such as structural, functional, and spatial information, amino acid conservation, physicochemical variation, residue mobility, and thermodynamic stability) indicates that this missense variant is not expected to disrupt CHD8 protein function with a negative predictive value of 95%. In summary, the available evidence is currently insufficient to determine the role of this variant in disease. Therefore, it has been classified as a Variant of Uncertain Significance.